The following is an entry in ClinVar:

NM_001130144.3(LTBP3):c.3108C>T (p.Asp1036=)

Genes: LTBP3 (latent transforming growth factor beta binding protein 3; minus strand), LOC121832793 (Sharpr-MPRA regulatory region 4001; plus strand). Cytogenetic location: 11q13.1.
Variant type: single nucleotide variant.
Coding change: c.3108C>T on transcript NM_001130144.3 (MANE Select); coding-DNA position 3108, C replaced by T.
Protein change: p.Asp1036=; no amino-acid change (aspartic acid 1036 retained).
Molecular consequence: synonymous variant.
Genome position (GRCh38, 1-based): chr11:65,540,381, G>A on the plus strand (C>T on the coding strand, the complement: LTBP3 is on the minus strand). VCF-style: chr11-65540381-G-A. GRCh37 (hg19) VCF-style: chr11-65307852-G-A.
Other names: p.Asp1036=; c.2757C>T, p.Asp919= (NM_001164266.1); c.3108C>T, p.Asp1036= (NM_021070.4).
Identifiers: ClinVar variation 1167052 (VCV001167052.16), dbSNP rs79320058, ClinGen allele CA6100327.

ClinVar aggregate classification (germline): Benign. Review status: criteria provided, multiple submitters, no conflicts (2 of 4 stars). 5 submissions from 5 submitters: Benign (4). 1 of the submissions does not count toward it. Last evaluated 2026-02-02.

Conditions:
Brachyolmia-amelogenesis imperfecta syndrome. Also called: Tooth agenesis, selective, 6; Dental anomalies and short stature; PLATYSPONDYLY WITH AMELOGENESIS IMPERFECTA. Identifiers: Orphanet 2899, MedGen C1832594, MONDO:0011018, OMIM 601216. Disease mechanism: loss of function.
LTBP3-related disorder. Also called: LTBP3-related condition.

Allele frequency attached by ClinVar (database versions not stated): gnomAD exomes 0.00487 and 0.01415; ESP Exome Variant Server 0.01195; gnomAD 0.01540 and 0.01631; TOPMed 0.01897; ExAC 0.02539; 1000 Genomes Project 30x 0.03576; 1000 Genomes Project 0.03814.
gnomAD v4.1: 9,877 of 1,600,566 alleles (0.62%); highest among the groups gnomAD compares: East Asian, 12%; 442 homozygotes.

Submissions (5):

Labcorp Genetics (formerly Invitae), Labcorp
Classification: Benign for Brachyolmia-amelogenesis imperfecta syndrome. Last evaluated: 2026-02-02. Review status: criteria provided, single submitter. Criteria: Invitae Variant Classification Sherloc (09022015). Collection method: clinical testing. Allele origin: germline.

Mayo Clinic Laboratories, Mayo Clinic
Classification: Benign. Last evaluated: 2023-11-25. Review status: criteria provided, single submitter. Criteria: ACMG Guidelines, 2015. Collection method: clinical testing. Allele origin: germline. Observed: 13 variant alleles.

GeneDx
Classification: Benign. Last evaluated: 2018-11-12. Review status: criteria provided, single submitter. Criteria: GeneDx Variant Classification Process June 2021. Collection method: clinical testing. Allele origin: germline. Affected: yes.

Breakthrough Genomics
Classification: Benign. Review status: criteria provided, single submitter. Criteria: ACMG Guidelines, 2015. Collection method: not provided. Allele origin: germline. Inheritance: Autosomal recessive inheritance. Affected: yes.

PreventionGenetics, part of Exact Sciences
Classification: Benign for LTBP3-related condition. Last evaluated: 2019-05-07. Review status: no assertion criteria provided. Collection method: clinical testing. Allele origin: germline. Not counted in ClinVar's aggregate classification.
Comment: This variant is classified as benign based on ACMG/AMP sequence variant interpretation guidelines (Richards et al. 2015 PMID: 25741868, with internal and published modifications).